The following is an entry in ClinVar:

ClinVar aggregate classification (germline): Pathogenic (1 of 4 stars; one submission).

Conditions:
Neurofibromatosis, type 1 (NF1). Also called: Peripheral type neurofibromatosis; NEUROFIBROMATOSIS, TYPE I, SOMATIC; VON RECKLINGHAUSEN DISEASE; Neurofibromatosis, type I. Identifiers: Orphanet 636, MedGen C0027831, MONDO:0018975, OMIM 162200. Disease mechanism: loss of function.

Submission:

Labcorp Genetics (formerly Invitae), Labcorp
Classification: Pathogenic for Neurofibromatosis, type 1. Last evaluated: 2023-07-31. Review status: criteria provided, single submitter. Criteria: Invitae Variant Classification Sherloc (09022015). Collection method: clinical testing. Allele origin: germline.
Comment: For these reasons, this variant has been classified as Pathogenic. This sequence change creates a premature translational stop signal (p.Thr2185Asnfs*36) in the NF1 gene. It is expected to result in an absent or disrupted protein product. Loss-of-function variants in NF1 are known to be pathogenic (PMID: 10712197, 23913538). This variant is not present in population databases (gnomAD no frequency). This variant has not been reported in the literature in individuals affected with NF1-related conditions.

Literature cited by the submitters: PubMed 10712197; PubMed 23913538.

NM_001042492.3(NF1):c.6616dup (p.Thr2206fs)

Gene: NF1 (neurofibromin 1; plus strand). Cytogenetic location: 17q11.2.
Variant type: Duplication.
Coding change: c.6616dup on transcript NM_001042492.3 (MANE Select); coding-DNA position 6616, one base duplicated (A; older notation c.6616dupA).
Protein change: p.Thr2206fs; shifts the reading frame from threonine 2206.
Molecular consequence: frameshift variant.
Genome position (GRCh38, 1-based): chr17:31,337,556, A duplicated. VCF-style (leftmost placement, unchanged base first): chr17-31337555-C-CA. GRCh37 (hg19) VCF-style: chr17-29664573-C-CA.
Other names: c.6553dup, p.Thr2185Asnfs (NM_000267.4); short protein forms T2185fs, T2206fs.
Identifiers: ClinVar variation 2748902 (VCV002748902.3), dbSNP rs2508754521, ClinGen allele CA2697559577.